The following is an entry in ClinVar:

ClinVar aggregate classification (germline): Uncertain significance (1 of 4 stars; one submission).

Submission:

GeneDx
Classification: Uncertain significance. Last evaluated: 2022-09-27. Review status: criteria provided, single submitter. Criteria: GeneDx Variant Classification Process June 2021. Collection method: clinical testing. Allele origin: germline. Affected: yes.
Comment: Not observed at significant frequency in large population cohorts (gnomAD); In silico analysis supports that this missense variant has a deleterious effect on protein structure/function; Has not been previously published as pathogenic or benign to our knowledge

NM_015021.3(ZNF292):c.6806C>T (p.Thr2269Ile)

Gene: ZNF292 (zinc finger protein 292; plus strand). Cytogenetic location: 6q14.3.
Variant type: single nucleotide variant.
Coding change: c.6806C>T on transcript NM_015021.3 (MANE Select); coding-DNA position 6806, C replaced by T.
Protein change: p.Thr2269Ile; replaces threonine 2269 with isoleucine.
Molecular consequence: missense variant.
Genome position (GRCh38, 1-based): chr6:87,260,435, C>T. VCF-style: chr6-87260435-C-T. GRCh37 (hg19) VCF-style: chr6-87970153-C-T.
Other names: c.6386C>T, p.Thr2129Ile (NM_001351444.2); short protein forms T2129I, T2269I.
Identifiers: ClinVar variation 2446210 (VCV002446210.1), dbSNP rs2482362536, ClinGen allele CA364940423.